The following is an entry in ClinVar:

NM_002529.4(NTRK1):c.1796_1802dup (p.Arg602fs)

Gene: NTRK1 (neurotrophic receptor tyrosine kinase 1; plus strand). Cytogenetic location: 1q23.1.
Variant type: Duplication.
Coding change: c.1796_1802dup on transcript NM_002529.4 (MANE Select); coding-DNA positions 1796 to 1802, 7 bases duplicated (GCTTCCT; older notation c.1796_1802dupGCTTCCT).
Protein change: p.Arg602fs; shifts the reading frame from arginine 602.
Molecular consequence: frameshift variant.
Genome position (GRCh38, 1-based): chr1:156,876,563-156,876,569, GCTTCCT duplicated. VCF-style (leftmost placement, unchanged base first): chr1-156876562-C-CGCTTCCT. GRCh37 (hg19) VCF-style: chr1-156846354-C-CGCTTCCT.
Other names: c.1778_1784dupGCTTCCT (NM_001012331.1); c.1688_1694dup, p.Arg566fs (NM_001007792.1); c.1778_1784dup, p.Arg596fs (NM_001012331.2); short protein forms R566fs, R596fs, R602fs.
Identifiers: ClinVar variation 4814510 (VCV004814510.2).

ClinVar aggregate classification (germline): Pathogenic/Likely pathogenic. Review status: criteria provided, multiple submitters, no conflicts (2 of 4 stars). 2 submissions from 2 submitters: Pathogenic (1); Likely pathogenic (1). Last evaluated 2026-06-01.

Conditions:
Hereditary insensitivity to pain with anhidrosis (CIPA). Also called: NTRK1 Congenital Insensitivity to Pain with Anhidrosis; HSAN Type IV; INSENSITIVITY TO PAIN, CONGENITAL, WITH ANHIDROSIS; FAMILIAL DYSAUTONOMIA, TYPE II; hereditary sensory and autonomic neuropathy type 4; NEUROPATHY, CONGENITAL SENSORY, WITH ANHIDROSIS. Identifiers: Orphanet 642, MedGen C0020074, MONDO:0009746, OMIM 256800.

Submissions (2):

Myriad Genetics, Inc.
Classification: Pathogenic for Hereditary insensitivity to pain with anhidrosis. Last evaluated: 2026-06-01. Review status: criteria provided, single submitter. Criteria: Myriad Autosomal Dominant, Autosomal Recessive and X-Linked Classification Criteria (2023). Collection method: clinical testing. Allele origin: unknown.
Comment: NM_002529.3(NTRK1):c.1796_1802dup7(R602Lfs*8) is a frameshift variant classified as pathogenic in the context of congenital insensitivity to pain with anhidrosis, NTRK1-related. R602Lfs*8 has not been observed in cases with relevant disease. Relevant functional assessments of this variant are not available in the literature. R602Lfs*8 has not been observed in referenced population frequency databases. In summary, NM_002529.3(NTRK1):c.1796_1802dup7(R602Lfs*8) is a frameshift variant in a gene where loss of function is a known mechanism of disease and is predicted to disrupt protein function. Please note: this variant was assessed in the context of healthy population screening.

Natera, Inc.
Classification: Likely pathogenic for Hereditary insensitivity to pain with anhidrosis. Last evaluated: 2024-10-28. Review status: criteria provided, single submitter. Criteria: Natera Variant Classification Schema (03/2026). Collection method: clinical testing. Allele origin: germline.
Comment: The c.1778_1784dupGCTTCCT variant in NTRK1 is a frameshift variant predicted to shift the reading frame beginning at codon 596 and leads to a stop codon 8 codons downstream. This variant is expected to result in nonsense mediated decay, truncation, or a dysfunctional protein product. This variant is rare in the general population with a frequency below the threshold expected for the associated phenotype(s). Given the available evidence, this variant is classified as Likely Pathogenic.